The following is an entry in ClinVar:

NM_032119.4(ADGRV1):c.15586C>T (p.His5196Tyr)

Gene: ADGRV1 (adhesion G protein-coupled receptor V1; plus strand). Cytogenetic location: 5q14.3.
Variant type: single nucleotide variant.
Coding change: c.15586C>T on transcript NM_032119.4 (MANE Select); coding-DNA position 15586, C replaced by T.
Protein change: p.His5196Tyr; replaces histidine 5196 with tyrosine.
Molecular consequence: missense variant. On other transcripts: non-coding transcript variant (1).
Genome position (GRCh38, 1-based): chr5:90,810,846, C>T. VCF-style: chr5-90810846-C-T. GRCh37 (hg19) VCF-style: chr5-90106663-C-T.
Other names: short protein forms H5196Y.
Identifiers: ClinVar variation 2108817 (VCV002108817.4), dbSNP rs757692537, ClinGen allele CA3341947.

ClinVar aggregate classification (germline): Uncertain significance (1 of 4 stars; one submission).

Allele frequency attached by ClinVar (database versions not stated): gnomAD exomes below 0.00001; ExAC 0.00001.
gnomAD v4.1: 2 of 1,614,046 alleles (0.00012%); highest among the groups gnomAD compares: Admixed American, 0.0017%; no homozygotes.

Submission:

Labcorp Genetics (formerly Invitae), Labcorp
Classification: Uncertain significance. Last evaluated: 2022-05-12. Review status: criteria provided, single submitter. Criteria: Invitae Variant Classification Sherloc (09022015). Collection method: clinical testing. Allele origin: germline.
Comment: This sequence change replaces histidine, which is basic and polar, with tyrosine, which is neutral and polar, at codon 5196 of the ADGRV1 protein (p.His5196Tyr). This variant is present in population databases (rs757692537, gnomAD 0.0009%). This variant has not been reported in the literature in individuals affected with ADGRV1-related conditions. Algorithms developed to predict the effect of missense changes on protein structure and function (SIFT, PolyPhen-2, Align-GVGD) all suggest that this variant is likely to be tolerated. In summary, the available evidence is currently insufficient to determine the role of this variant in disease. Therefore, it has been classified as a Variant of Uncertain Significance.